The following is an entry in ClinVar:

ClinVar aggregate classification (germline): Pathogenic/Likely pathogenic. Review status: criteria provided, multiple submitters, no conflicts (2 of 4 stars). 3 submissions from 3 submitters: Pathogenic (2); Likely pathogenic (1). Last evaluated 2025-11-10.

Conditions:
Hereditary breast ovarian cancer syndrome. Also called: Hereditary breast and ovarian cancer syndrome; BRCA1- and BRCA2-Associated Hereditary Breast and Ovarian Cancer; Hereditary breast and ovarian cancer; Hereditary breast and ovarian cancer syndrome (HBOC); Breast and ovarian cancer; Hereditary breast and/or ovarian cancer syndrome. Identifiers: Orphanet 145, MedGen C0677776, MeSH D061325, MONDO:0003582. Disease mechanism: loss of function.
Hereditary cancer-predisposing syndrome. Also called: Neoplastic Syndromes, Hereditary; Tumor predisposition; Hereditary Cancer Syndrome; Hereditary neoplastic syndrome. Identifiers: Orphanet 140162, MedGen C0027672, MeSH D009386, MONDO:0015356.

Submissions (3):

Labcorp Genetics (formerly Invitae), Labcorp
Classification: Pathogenic for Hereditary breast ovarian cancer syndrome. Last evaluated: 2025-11-10. Review status: criteria provided, single submitter. Criteria: Invitae Variant Classification Sherloc (09022015). Collection method: clinical testing. Allele origin: germline.
Comment: This sequence change creates a premature translational stop signal (p.Ser521Phefs*6) in the BRCA2 gene. It is expected to result in an absent or disrupted protein product. Loss-of-function variants in BRCA2 are known to be pathogenic (PMID: 20104584). This variant is not present in population databases (gnomAD no frequency). This variant has not been reported in the literature in individuals affected with BRCA2-related conditions. ClinVar contains an entry for this variant (Variation ID: 926696). For these reasons, this variant has been classified as Pathogenic.

Revvity Omics, Revvity
Classification: Likely pathogenic. Last evaluated: 2022-08-22. Review status: criteria provided, single submitter. Criteria: ACMG Guidelines, 2015. Collection method: clinical testing. Allele origin: germline.

Color Diagnostics, LLC DBA Color Health
Classification: Pathogenic for Hereditary cancer-predisposing syndrome. Last evaluated: 2020-01-15. Review status: criteria provided, single submitter. Criteria: ACMG Guidelines, 2015. Collection method: clinical testing. Allele origin: germline.
Comment: This variant inserts 1 nucleotide in exon 10 of the BRCA2 gene, creating a frameshift and premature translation stop signal. This variant is expected to result in an absent or non-functional protein product. This variant has not been identified in the general population by the Genome Aggregation Database (gnomAD). Loss of BRCA2 function is a known mechanism of disease. Based on the available evidence, this variant is classified as Pathogenic.

Literature cited by the submitters: PubMed 20104584 (cited by Labcorp Genetics (formerly Invitae), Labcorp).

NM_000059.4(BRCA2):c.1561dup (p.Ser521fs)

Gene: BRCA2 (BRCA2 DNA repair associated; plus strand). Cytogenetic location: 13q13.1.
Variant type: Duplication.
Coding change: c.1561dup on transcript NM_000059.4 (MANE Select); coding-DNA position 1561, one base duplicated (T; older notation c.1561dupT).
Protein change: p.Ser521fs; shifts the reading frame from serine 521.
Molecular consequence: frameshift variant.
Genome position (GRCh38, 1-based): chr13:32,333,039, T duplicated; the last of 5 consecutive T bases (chr13:32,333,035-32,333,039); duplicating any one gives the same sequence. VCF-style (leftmost placement, unchanged base first): chr13-32333034-G-GT. GRCh37 (hg19) VCF-style: chr13-32907171-G-GT.
Other names: short protein forms S521fs.
Identifiers: ClinVar variation 926696 (VCV000926696.11), dbSNP rs886040374, ClinGen allele CA913188554.
Genomic context (GRCh38, chr13:32,333,034, plus strand): 5'-AGGGTATCAAAAAGTCTATATTCAGAATAAGAGAATCACCTAAAGAGACTTTCAATGCAA[G>GT]TTTTTCAGGTCATATGACTGATCCAAACTTTAAAAAAGAAACTGAAGCCTCTGAAAGTGG-3'